The following is an entry in ClinVar:

ClinVar aggregate classification (germline): Uncertain significance (1 of 4 stars; one submission).

Conditions:
Catecholaminergic polymorphic ventricular tachycardia 1. Also called: VENTRICULAR TACHYCARDIA, STRESS-INDUCED POLYMORPHIC 1; VENTRICULAR TACHYCARDIA, CATECHOLAMINERGIC POLYMORPHIC, 1, WITH OR WITHOUT ATRIAL DYSFUNCTION AND/OR DILATED CARDIOMYOPATHY; RYR2-Related Catecholaminergic Polymorphic Ventricular Tachycardia. Identifiers: Orphanet 3286, MedGen C1631597, MONDO:0011484, OMIM 604772.

gnomAD v4.1: 1 of 1,598,688 alleles (0.000063%); highest among the groups gnomAD compares: Non-Finnish European, 0.000085%; no homozygotes.

Submission:

Labcorp Genetics (formerly Invitae), Labcorp
Classification: Uncertain significance for Catecholaminergic polymorphic ventricular tachycardia 1. Last evaluated: 2024-04-30. Review status: criteria provided, single submitter. Criteria: Invitae Variant Classification Sherloc (09022015). Collection method: clinical testing. Allele origin: germline.
Comment: This sequence change replaces glycine, which is neutral and non-polar, with alanine, which is neutral and non-polar, at codon 1291 of the RYR2 protein (p.Gly1291Ala). This variant is not present in population databases (gnomAD no frequency). This variant has not been reported in the literature in individuals affected with RYR2-related conditions. Advanced modeling of protein sequence and biophysical properties (such as structural, functional, and spatial information, amino acid conservation, physicochemical variation, residue mobility, and thermodynamic stability) performed at Invitae indicates that this missense variant is not expected to disrupt RYR2 protein function with a negative predictive value of 95%. Algorithms developed to predict the effect of sequence changes on RNA splicing suggest that this variant may create or strengthen a splice site. In summary, the available evidence is currently insufficient to determine the role of this variant in disease. Therefore, it has been classified as a Variant of Uncertain Significance.

NM_001035.3(RYR2):c.3872G>C (p.Gly1291Ala)

Genes: RYR2 (ryanodine receptor 2; plus strand), LOC126806067 (BRD4-independent group 4 enhancer GRCh37_chr1:237753258-237754457; plus strand). Cytogenetic location: 1q43.
Variant type: single nucleotide variant.
Coding change: c.3872G>C on transcript NM_001035.3 (MANE Select); coding-DNA position 3872, G replaced by C.
Protein change: p.Gly1291Ala; replaces glycine 1291 with alanine.
Molecular consequence: missense variant.
Genome position (GRCh38, 1-based): chr1:237,590,704, G>C. VCF-style: chr1-237590704-G-C. GRCh37 (hg19) VCF-style: chr1-237754004-G-C.
Other names: short protein forms G1291A.
Identifiers: ClinVar variation 3627491 (VCV003627491.2).